The following is an entry in ClinVar:

ClinVar aggregate classification (germline): Pathogenic (1 of 4 stars; one submission).

Conditions:
Multiple endocrine neoplasia, type 1 (MEN1). Also called: MEA I; MEN I; WERMER SYNDROME; Endocrine adenomatosis multiple; MEN 1. Identifiers: Orphanet 652, MedGen C0025267, MeSH D018761, MONDO:0007540, OMIM 131100.

Submission:

Myriad Genetics, Inc.
Classification: Pathogenic for Multiple endocrine neoplasia, type 1. Last evaluated: 2026-07-02. Review status: criteria provided, single submitter. Criteria: Myriad Autosomal Dominant, Autosomal Recessive and X-Linked Classification Criteria (2023). Collection method: clinical testing. Allele origin: unknown.
Comment: This variant is considered pathogenic. This variant creates a frameshift predicted to result in premature protein truncation.

NM_001370259.2(MEN1):c.21delinsAGC (p.Lys8fs)

Gene: MEN1 (menin 1; minus strand). Cytogenetic location: 11q13.1.
Variant type: Indel.
Coding change: c.21delinsAGC on transcript NM_001370259.2 (MANE Select); coding-DNA position 21, G replaced by AGC.
Protein change: p.Lys8fs; shifts the reading frame from lysine 8.
Molecular consequence: frameshift variant. On other transcripts: non-coding transcript variant (4).
Genome position (GRCh38, 1-based): chr11:64,810,089, C replaced by GCT on the plus strand (G replaced by AGC on the coding strand, the reverse complement: MEN1 is on the minus strand). VCF-style: chr11-64810089-C-GCT. GRCh37 (hg19) VCF-style: chr11-64577561-C-GCT.
Other names: c.21delinsAGC, p.Lys8fs (NM_130803.3, NM_130804.3, NM_001407148.1 and 20 more transcripts); short protein forms K8fs.
Identifiers: ClinVar variation 5042204 (VCV005042204.1).
Genomic context (GRCh38, chr11:64,810,089, plus strand): 5'-CAGCTCGGCAGCAAACAGGCGCACCACGTCGTCGATGGAGCGCAGCGGGAACAGCGTCTT[C>GCT]TGGGCGGCCTTCAGCCCCATGGCGGCGGGCGGTGGGCGGCGGCCTGCAAGGCAAGCCGGG-3'